The following is an entry in ClinVar:

ClinVar aggregate classification (germline): Uncertain significance. Review status: criteria provided, multiple submitters, no conflicts (2 of 4 stars). 3 submissions from 3 submitters: Uncertain significance (3). Last evaluated 2022-06-13.

Conditions:
Inborn genetic diseases. Identifiers: MedGen C0950123, MeSH D030342.
LAMB2-related infantile-onset nephrotic syndrome. Also called: NEPHROTIC SYNDROME, TYPE 5, WITHOUT OCULAR ABNORMALITIES; NEPHROTIC SYNDROME, TYPE 5, WITH OCULAR ABNORMALITIES; Nephrotic Syndrome, type 5. Identifiers: Orphanet 306507, MedGen C3280113, MONDO:0013621, OMIM 614199.
Pierson syndrome. Also called: MICROCORIA-CONGENITAL NEPHROTIC SYNDROME. Identifiers: Orphanet 2670, MedGen C1836876, MONDO:0012184, OMIM 609049.

Allele frequency attached by ClinVar (database versions not stated): TOPMed below 0.00001; ExAC 0.00001; gnomAD 0.00001; gnomAD exomes 0.00001.
gnomAD v4.1: 23 of 1,614,164 alleles (0.0014%); highest among the groups gnomAD compares: Middle Eastern, 0.033%; no homozygotes.

Submissions (3):

Labcorp Genetics (formerly Invitae), Labcorp
Classification: Uncertain significance for LAMB2-related infantile-onset nephrotic syndrome; Pierson syndrome. Last evaluated: 2022-06-13. Review status: criteria provided, single submitter. Criteria: Invitae Variant Classification Sherloc (09022015). Collection method: clinical testing. Allele origin: germline.
Comment: In summary, the available evidence is currently insufficient to determine the role of this variant in disease. Therefore, it has been classified as a Variant of Uncertain Significance. Algorithms developed to predict the effect of missense changes on protein structure and function (SIFT, PolyPhen-2, Align-GVGD) all suggest that this variant is likely to be disruptive. ClinVar contains an entry for this variant (Variation ID: 539736). This variant has not been reported in the literature in individuals affected with LAMB2-related conditions. This variant is present in population databases (rs774169261, gnomAD 0.006%). This sequence change replaces glycine, which is neutral and non-polar, with arginine, which is basic and polar, at codon 308 of the LAMB2 protein (p.Gly308Arg).

Fulgent Genetics
Classification: Uncertain significance for Pierson syndrome; LAMB2-related infantile-onset nephrotic syndrome. Last evaluated: 2022-05-22. Review status: criteria provided, single submitter. Criteria: ACMG Guidelines, 2015. Collection method: clinical testing. Allele origin: unknown.

Ambry Genetics
Classification: Uncertain significance for Inborn genetic diseases. Last evaluated: 2022-01-04. Review status: criteria provided, single submitter. Criteria: Ambry Variant Classification Scheme 2023. Collection method: clinical testing. Allele origin: germline.

NM_002292.4(LAMB2):c.922G>A (p.Gly308Arg)

Gene: LAMB2 (laminin subunit beta 2; minus strand). Cytogenetic location: 3p21.31.
Variant type: single nucleotide variant.
Coding change: c.922G>A on transcript NM_002292.4 (MANE Select); coding-DNA position 922, G replaced by A.
Protein change: p.Gly308Arg; replaces glycine 308 with arginine.
Molecular consequence: missense variant.
Genome position (GRCh38, 1-based): chr3:49,130,854, C>T on the plus strand (G>A on the coding strand, the complement: LAMB2 is on the minus strand). VCF-style: chr3-49130854-C-T. GRCh37 (hg19) VCF-style: chr3-49168287-C-T.
Other names: short protein forms G308R.
Identifiers: ClinVar variation 539736 (VCV000539736.8), dbSNP rs774169261, ClinGen allele CA2394748.